The following is an entry in ClinVar:

NM_000474.4(TWIST1):c.464A>T (p.Tyr155Phe)

Genes: TWIST1 (twist family bHLH transcription factor 1; minus strand), LOC129998021 (ATAC-STARR-seq lymphoblastoid active region 25682; plus strand). Cytogenetic location: 7p21.1.
Variant type: single nucleotide variant.
Coding change: c.464A>T on transcript NM_000474.4 (MANE Select); coding-DNA position 464, A replaced by T.
Protein change: p.Tyr155Phe; replaces tyrosine 155 with phenylalanine.
Molecular consequence: missense variant. On other transcripts: non-coding transcript variant (1).
Genome position (GRCh38, 1-based): chr7:19,116,858, T>A on the plus strand (A>T on the coding strand, the complement: TWIST1 is on the minus strand). VCF-style: chr7-19116858-T-A. GRCh37 (hg19) VCF-style: chr7-19156481-T-A.
Other names: short protein forms Y155F.
Identifiers: ClinVar variation 4532063 (VCV004532063.1).

ClinVar aggregate classification (germline): Uncertain significance (1 of 4 stars; one submission).

Conditions:
TWIST1-related craniosynostosis (CRS1). Also called: CRANIOSYNOSTOSIS 1. Identifiers: Orphanet 63440, MedGen C4551902, MONDO:0007399, OMIM 123100. Inheritance: Heterogenous inheritance pattern.

Submission:

Victorian Clinical Genetics Services, Murdoch Childrens Research Institute
Classification: Uncertain significance for TWIST1-related craniosynostosis. Last evaluated: 2025-03-24. Review status: criteria provided, single submitter. Criteria: ACMG Guidelines, 2015. Collection method: clinical testing. Allele origin: germline. Affected: yes.
Comment: This variant is classified as VUS-3A. Evidence in support of pathogenic classification: Variant is absent from gnomAD (v2, v3 and v4); Variant is located in a hotspot region or cluster of PATHOGENIC variants in the helix-loop-helix DNA-binding domain (DECIPHER); Missense variant predicted to be damaging by in silico tool(s) or highly conserved with a major amino acid change. Additional information: Variant is predicted to result in a missense amino acid change from tyrosine to phenylalanine; This variant is heterozygous; This gene is associated with autosomal dominant disease; This variant has no previous evidence of pathogenicity; No published segregation evidence has been identified for this variant; No published functional evidence has been identified for this variant; No comparable missense variants have previous evidence for pathogenicity; Loss of function is a known mechanism of disease in this gene and is associated with Saethre-Chotzen syndrome with or without eyelid anomalies (MIM#101400); and is likely a mechanism associated with craniosynostosis 1 (MIM#123100). Dominant-negative is suggested for Sweeney-Cox syndrome (MIM#617746) (PMID: PMID: 20301368, 28369379); Inheritance information for this variant is not currently available in this individual.

Literature cited by the submitters: PubMed 28369379; PubMed 20301368.